The following is an entry in ClinVar:

NM_198578.4(LRRK2):c.5557T>C (p.Ser1853Pro)

Gene: LRRK2 (leucine rich repeat kinase 2; plus strand). Cytogenetic location: 12q12.
Variant type: single nucleotide variant.
Coding change: c.5557T>C on transcript NM_198578.4 (MANE Select); coding-DNA position 5557, T replaced by C.
Protein change: p.Ser1853Pro; replaces serine 1853 with proline.
Molecular consequence: missense variant.
Genome position (GRCh38, 1-based): chr12:40,323,207, T>C. VCF-style: chr12-40323207-T-C. GRCh37 (hg19) VCF-style: chr12-40717009-T-C.
Other names: short protein forms S1853P.
Identifiers: ClinVar variation 2567354 (VCV002567354.2), dbSNP rs2499888910, ClinGen allele CA384421047.

ClinVar aggregate classification (germline): Uncertain significance (1 of 4 stars; one submission).

Conditions:
Inborn genetic diseases. Identifiers: MedGen C0950123, MeSH D030342.

Submission:

Ambry Genetics
Classification: Uncertain significance for Inborn genetic diseases. Last evaluated: 2023-04-09. Review status: criteria provided, single submitter. Criteria: Ambry Variant Classification Scheme 2023. Collection method: clinical testing. Allele origin: germline.
Comment: The p.S1853P variant (also known as c.5557T>C), located in coding exon 38 of the LRRK2 gene, results from a T to C substitution at nucleotide position 5557. The serine at codon 1853 is replaced by proline, an amino acid with similar properties. This amino acid position is conserved. In addition, this alteration is predicted to be tolerated by in silico analysis. Since supporting evidence is limited at this time, the clinical significance of this alteration remains unclear.